The following is an entry in ClinVar:

NM_000138.5(FBN1):c.4337-4C>T

Gene: FBN1 (fibrillin 1; minus strand). Cytogenetic location: 15q21.1.
Variant type: single nucleotide variant.
Coding change: c.4337-4C>T on transcript NM_000138.5 (MANE Select); 4 bases into the intron before coding-DNA position 4337, C replaced by T.
Molecular consequence: intron variant.
Genome position (GRCh38, 1-based): chr15:48,470,760, G>A on the plus strand (C>T on the coding strand, the complement: FBN1 is on the minus strand). VCF-style: chr15-48470760-G-A. GRCh37 (hg19) VCF-style: chr15-48762957-G-A.
Other names: c.4337-4C>T (NM_001406716.1).
Identifiers: ClinVar variation 3386800 (VCV003386800.2).
Genomic context (GRCh38, chr15:48,470,760, plus strand): 5'-GGAGGTTGTGGCAAGTTCCAAAGACACAGATGTTCGGAAGGGAGCACTCATCAATATCTT[G>A]GGGGGAGGGAGAAAAAAGCAAAAAACTTAACTTATATTTTTCTAAAAAAAACCTGCCAAA-3'

ClinVar aggregate classification (germline): Likely benign. Review status: criteria provided, multiple submitters, no conflicts (2 of 4 stars). 2 submissions from 2 submitters: Likely benign (2). Last evaluated 2024-07-29.

Conditions:
Familial thoracic aortic aneurysm and aortic dissection (TAAD). Also called: Thoracic aortic aneurysms and dissections. Identifiers: Orphanet 91387, MedGen C4707243, MONDO:0019625.
Marfan syndrome (MFS). Also called: MARFAN SYNDROME, TYPE I; Marfan syndrome type 1; Marfan's syndrome; FBN1-Related Marfan Syndrome; Marfan syndrome, classic. Identifiers: Orphanet 284963, Orphanet 558, MedGen C0024796, MONDO:0007947, OMIM 154700.

Submissions (2):

All of Us Research Program, National Institutes of Health
Classification: Likely benign for Marfan syndrome. Last evaluated: 2024-07-29. Review status: criteria provided, single submitter. Criteria: ACMG Guidelines, 2015. Collection method: clinical testing. Allele origin: germline. Inheritance: Autosomal dominant inheritance. Observed: 1 variant allele, 1 heterozygote.
Comment: This study involves interpretation of variants in research participants for the purpose of population health screening. Participant phenotype was not available at the time of variant classification. Additional details can be found in publication PMID: 35346344, PMCID: PMC8962531

Color Diagnostics, LLC DBA Color Health
Classification: Likely benign for Familial thoracic aortic aneurysm and aortic dissection. Last evaluated: 2024-07-03. Review status: criteria provided, single submitter. Criteria: ACMG Guidelines, 2015. Collection method: clinical testing. Allele origin: germline.